The following is an entry in ClinVar:

ClinVar aggregate classification (germline): Likely pathogenic (1 of 4 stars; one submission).

Conditions:
SIM1-associated metabolic syndrome.

Submission:

New York Genome Center
Classification: Likely pathogenic for SIM1-associated metabolic syndrome. Last evaluated: 2021-08-13. Review status: criteria provided, single submitter. Criteria: NYGC Assertion Criteria 2020. Collection method: clinical testing. Allele origin: germline. Affected: yes. Observed: 1 heterozygote.
Comment: The frameshift c.793_794del, p.Leu265ValfsTer101 variant at exon 7 of 11 in the SIM1 gene has not been reported in the literature in individuals with SIM1-related disorders. This variant is absent from the gnomAD v3.1.1 database suggesting it is not a common benign variant in the populations represented in this database. This variant causes a frameshift by deleting two nucleotides, so it is predicted to result in a truncated protein or mRNA subject tononsense-mediated decay. Based on the available evidence, c.793_794del, p.Leu265ValfsTer101 variant in the SIM1 gene is classified as likely pathogenic.

NM_005068.3(SIM1):c.793_794del (p.Leu265fs)

Gene: SIM1 (SIM bHLH transcription factor 1; minus strand). Cytogenetic location: 6q16.3.
Variant type: Microsatellite.
Coding change: c.793_794del on transcript NM_005068.3 (MANE Select); coding-DNA positions 793 to 794, 2 bases deleted (CT; older notation c.793_794delCT).
Protein change: p.Leu265fs; shifts the reading frame from leucine 265.
Molecular consequence: frameshift variant.
Genome position (GRCh38, 1-based): chr6:100,448,202-100,448,203, AG deleted on the plus strand (CT on the coding strand, the reverse complement: SIM1 is on the minus strand); deleting any 2 consecutive bases within chr6:100,448,202-100,448,205 gives the same sequence; the c. name uses the placement nearest the transcript's 3' end. VCF-style (leftmost placement, unchanged base first): chr6-100448201-CAG-C. GRCh37 (hg19) VCF-style: chr6-100896077-CAG-C.
Other names: c.793_794del, p.Leu265fs (NM_001374769.1); short protein forms L265fs.
Identifiers: ClinVar variation 1803836 (VCV001803836.1), dbSNP rs2482134518, ClinGen allele CA2580617315.
Genomic context (GRCh38, chr6:100,448,201, plus strand): 5'-CTTACGCAAATGGTGCGCGCAGCGCAGGTGGAAGGTGTCGCAGCCGTGCACATGGTGGTA[CAG>C]AGTCTTCTCAATCAGGTCCTGAGGTTCGTACCCCGTCAGCTCCGCCACCCTGAGGAGAGC-3'